The following is an entry in ClinVar:

ClinVar aggregate classification (germline): Likely pathogenic (1 of 4 stars; one submission).

Conditions:
Primary ciliary dyskinesia. Also called: Ciliary dyskinesia. Identifiers: Orphanet 244, MedGen C0008780, MONDO:0016575, HP:0012265.

Allele frequency attached by ClinVar (database versions not stated): gnomAD exomes below 0.00001.

Submission:

Labcorp Genetics (formerly Invitae), Labcorp
Classification: Likely pathogenic for Primary ciliary dyskinesia. Last evaluated: 2023-08-04. Review status: criteria provided, single submitter. Criteria: Invitae Variant Classification Sherloc (09022015). Collection method: clinical testing. Allele origin: germline.
Comment: ClinVar contains an entry for this variant (Variation ID: 644244). In summary, the currently available evidence indicates that the variant is pathogenic, but additional data are needed to prove that conclusively. Therefore, this variant has been classified as Likely Pathogenic. Experimental studies and prediction algorithms are not available or were not evaluated, and the functional significance of this variant is currently unknown. This variant has been observed in individual(s) with clinical features of primary ciliary dyskinesia (Invitae). In at least one individual the data is consistent with being in trans (on the opposite chromosome) from a pathogenic variant. It has also been observed to segregate with disease in related individuals. This variant is present in population databases (no rsID available, gnomAD 0.001%). This variant, c.352_354del, results in the deletion of 1 amino acid(s) of the CCDC39 protein (p.Lys118del), but otherwise preserves the integrity of the reading frame.

NM_181426.2(CCDC39):c.352_354del (p.Lys118del)

Gene: CCDC39 (coiled-coil domain 39 molecular ruler complex subunit; minus strand). Cytogenetic location: 3q26.33.
Variant type: Deletion.
Coding change: c.352_354del on transcript NM_181426.2 (MANE Select); coding-DNA positions 352 to 354, 3 bases deleted (AAA; older notation c.352_354delAAA).
Protein change: p.Lys118del; deletes lysine 118.
Molecular consequence: inframe deletion.
Genome position (GRCh38, 1-based): chr3:180,661,864-180,661,866, TTT deleted on the plus strand (AAA on the coding strand, the reverse complement: CCDC39 is on the minus strand). VCF-style (leftmost placement, unchanged base first): chr3-180661863-CTTT-C. GRCh37 (hg19) VCF-style: chr3-180379651-CTTT-C.
Other names: short protein forms K118del.
Identifiers: ClinVar variation 644244 (VCV000644244.9), dbSNP rs1245822059, ClinGen allele CA548337292.